The following is an entry in ClinVar:

NM_177438.3(DICER1):c.4256A>T (p.Glu1419Val)

Gene: DICER1 (dicer 1, ribonuclease III; minus strand). Cytogenetic location: 14q32.13.
Variant type: single nucleotide variant.
Coding change: c.4256A>T on transcript NM_177438.3 (MANE Select); coding-DNA position 4256, A replaced by T.
Protein change: p.Glu1419Val; replaces glutamic acid 1419 with valine.
Molecular consequence: missense variant.
Genome position (GRCh38, 1-based): chr14:95,096,664, T>A on the plus strand (A>T on the coding strand, the complement: DICER1 is on the minus strand). VCF-style: chr14-95096664-T-A. GRCh37 (hg19) VCF-style: chr14-95563001-T-A.
Other names: p.Glu1419Val; c.4256A>T, p.Glu1419Val (NM_001271282.3, NM_001291628.2, NM_030621.4 and 1 more transcripts); short protein forms E1419V.
Identifiers: ClinVar variation 580647 (VCV000580647.17), dbSNP rs770273518, ClinGen allele CA7330866.
Genomic context (GRCh38, chr14:95,096,664, plus strand): 5'-TCATAGTCAGCCTCTTCCTTCGGAGCCCTCCACATCAGGCTCTCCTCCTCCTCATCCTCC[T>A]CCTCGTAATCCTCATCCAGTTTGCCATTCGCCAGCATGCAGTCTTTTGTCTGAAACGAGG-3'
Protein context (NP_803187.1, residues 1409-1429): ANGKLDEDYE[Glu1419Val]EDEEEESLMW

ClinVar aggregate classification (germline): Uncertain significance. Review status: criteria provided, multiple submitters, no conflicts (2 of 4 stars). 4 submissions from 4 submitters: Uncertain significance (4). Last evaluated 2026-01-08.

Conditions:
DICER1-related tumor predisposition. Also called: DICER1 syndrome; DICER1-related pleuropulmonary blastoma cancer predisposition syndrome. Identifiers: Orphanet 284343, MedGen C3839822, MONDO:0100216.
Hereditary cancer-predisposing syndrome. Also called: Hereditary neoplastic syndrome; Tumor predisposition; Hereditary Cancer Syndrome; Neoplastic Syndromes, Hereditary. Identifiers: Orphanet 140162, MedGen C0027672, MeSH D009386, MONDO:0015356.

Allele frequency attached by ClinVar (database versions not stated): gnomAD exomes below 0.00001 and 0.00001; gnomAD 0.00001; ExAC 0.00002.
gnomAD v4.1: 2 of 1,612,788 alleles (0.00012%); highest among the groups gnomAD compares: Admixed American, 0.0033%; no homozygotes.

Submissions (4):

Labcorp Genetics (formerly Invitae), Labcorp
Classification: Uncertain significance for DICER1-related tumor predisposition. Last evaluated: 2026-01-08. Review status: criteria provided, single submitter. Criteria: Invitae Variant Classification Sherloc (09022015). Collection method: clinical testing. Allele origin: germline.
Comment: This sequence change replaces glutamic acid, which is acidic and polar, with valine, which is neutral and non-polar, at codon 1419 of the DICER1 protein (p.Glu1419Val). This variant is present in population databases (rs770273518, gnomAD 0.006%). This variant has not been reported in the literature in individuals affected with DICER1-related conditions. ClinVar contains an entry for this variant (Variation ID: 580647). Invitae Evidence Modeling of protein sequence and biophysical properties (such as structural, functional, and spatial information, amino acid conservation, physicochemical variation, residue mobility, and thermodynamic stability) indicates that this missense variant is not expected to disrupt DICER1 protein function with a negative predictive value of 95%. In summary, the available evidence is currently insufficient to determine the role of this variant in disease. Therefore, it has been classified as a Variant of Uncertain Significance.

Mayo Clinic Laboratories, Mayo Clinic
Classification: Uncertain significance. Last evaluated: 2025-08-28. Review status: criteria provided, single submitter. Criteria: ACMG Guidelines, 2015. Collection method: clinical testing. Allele origin: germline. Observed: 1 variant allele.
Comment: BP4

Ambry Genetics
Classification: Uncertain significance for Hereditary cancer-predisposing syndrome. Last evaluated: 2024-10-26. Review status: criteria provided, single submitter. Criteria: Ambry Variant Classification Scheme 2023. Collection method: clinical testing. Allele origin: germline.
Comment: The p.E1419V variant (also known as c.4256A>T), located in coding exon 22 of the DICER1 gene, results from an A to T substitution at nucleotide position 4256. The glutamic acid at codon 1419 is replaced by valine, an amino acid with dissimilar properties. This amino acid position is highly conserved through mammals but not in all available vertebrate species. In addition, the in silico prediction for this alteration is inconclusive. Since supporting evidence is limited at this time, the clinical significance of this alteration remains unclear.

Quest Diagnostics Nichols Institute San Juan Capistrano
Classification: Uncertain significance. Last evaluated: 2024-10-23. Review status: criteria provided, single submitter. Criteria: Quest Diagnostics criteria. Collection method: clinical testing. Allele origin: unknown.
Comment: The DICER1 c.4256A>T (p.Glu1419Val) variant has not been reported in individuals with DICER1-related conditions in the published literature. The frequency of this variant in the general population, 0.0000081 (2/245846 chromosomes (Genome Aggregation Database)), is uninformative in the assessment of its pathogenicity. Analysis of this variant using bioinformatics tools for the prediction of the effect of amino acid changes on protein structure and function yielded predictions that this variant is benign. Based on the available information, we are unable to determine the clinical significance of this variant.